The following is an entry in ClinVar:

ClinVar aggregate classification (germline): Conflicting classifications of pathogenicity. Review status: criteria provided, conflicting classifications (1 of 4 stars). 3 submissions from 3 submitters: Uncertain significance (1); Likely benign (2). Last evaluated 2025-04-23.

Conditions:
Charcot-Marie-Tooth disease axonal type 2S. Also called: CHARCOT-MARIE-TOOTH DISEASE, AXONAL, AUTOSOMAL RECESSIVE, TYPE 2S; CHARCOT-MARIE-TOOTH NEUROPATHY, TYPE 2S. Identifiers: Orphanet 443073, MedGen C4015349, MONDO:0014511, OMIM 616155.
Autosomal recessive distal spinal muscular atrophy 1. Also called: NEURONOPATHY, DISTAL HEREDITARY MOTOR, HARDING TYPE VI; NEUROPATHY, DISTAL HEREDITARY MOTOR, AUTOSOMAL RECESSIVE 1; Spinal muscular atrophy with respiratory distress 1; NEURONOPATHY, SEVERE INFANTILE AXONAL, WITH RESPIRATORY FAILURE; SEVERE INFANTILE AXONAL NEUROPATHY WITH RESPIRATORY FAILURE; SPINAL MUSCULAR ATROPHY, DIAPHRAGMATIC. Identifiers: Orphanet 98920, MedGen C1858517, MONDO:0011436, OMIM 604320.
IGHMBP2-related disorder. Also called: IGHMBP2-related disorders; IGHMBP2-related condition.

Allele frequency attached by ClinVar (database versions not stated): gnomAD exomes below 0.00001; TOPMed below 0.00001; ExAC 0.00001; gnomAD 0.00001.
gnomAD v4.1: 5 of 1,614,162 alleles (0.00031%); highest among the groups gnomAD compares: East Asian, 0.0022%; no homozygotes.

Submissions (3):

PreventionGenetics, part of Exact Sciences
Classification: Likely benign for IGHMBP2-related condition. Last evaluated: 2025-04-23. Review status: criteria provided, single submitter. Criteria: ACMG Guidelines, 2015. Collection method: clinical testing. Allele origin: germline.
Comment: This variant is classified as likely benign based on ACMG/AMP sequence variant interpretation guidelines (Richards et al. 2015 PMID: 25741868, with internal and published modifications).

Labcorp Genetics (formerly Invitae), Labcorp
Classification: Likely benign for Autosomal recessive distal spinal muscular atrophy 1; Charcot-Marie-Tooth disease axonal type 2S. Last evaluated: 2025-01-06. Review status: criteria provided, single submitter. Criteria: Invitae Variant Classification Sherloc (09022015). Collection method: clinical testing. Allele origin: germline.

Illumina Laboratory Services, Illumina
Classification: Uncertain significance for Autosomal recessive distal spinal muscular atrophy 1. Last evaluated: 2018-01-13. Review status: criteria provided, single submitter. Criteria: ICSL Variant Classification Criteria 13 December 2019. Collection method: clinical testing. Allele origin: germline.

NM_002180.3(IGHMBP2):c.714T>C (p.Val238=)

Gene: IGHMBP2 (immunoglobulin mu DNA binding protein 2; plus strand). Cytogenetic location: 11q13.3.
Variant type: single nucleotide variant.
Coding change: c.714T>C on transcript NM_002180.3 (MANE Select); coding-DNA position 714, T replaced by C.
Protein change: p.Val238=; no amino-acid change (valine 238 retained).
Molecular consequence: synonymous variant.
Genome position (GRCh38, 1-based): chr11:68,914,825, T>C. VCF-style: chr11-68914825-T-C. GRCh37 (hg19) VCF-style: chr11-68682293-T-C.
Identifiers: ClinVar variation 305835 (VCV000305835.16), dbSNP rs755582766, ClinGen allele CA6153374.